The following is an entry in ClinVar:

NM_000264.5(PTCH1):c.3594del (p.Glu1199fs)

Gene: PTCH1 (patched 1; minus strand). Cytogenetic location: 9q22.32.
Variant type: Deletion.
Coding change: c.3594del on transcript NM_000264.5 (MANE Select); coding-DNA position 3594, one base deleted (T; older notation c.3594delT).
Protein change: p.Glu1199fs; shifts the reading frame from glutamic acid 1199.
Molecular consequence: frameshift variant. On other transcripts: non-coding transcript variant (1).
Genome position (GRCh38, 1-based): chr9:95,449,279, A deleted on the plus strand (T on the coding strand, the reverse complement: PTCH1 is on the minus strand). VCF-style (leftmost placement, unchanged base first): chr9-95449278-CA-C. GRCh37 (hg19) VCF-style: chr9-98211560-CA-C.
Other names: c.3396del, p.Glu1133fs (NM_001083602.3); c.3591del, p.Glu1198fs (NM_001083603.3); c.3141del, p.Glu1048fs (NM_001083604.3, NM_001083605.3, NM_001083606.3 and 1 more transcripts); c.3438del, p.Glu1147fs (NM_001354918.2); short protein forms E1147fs, E1198fs, E1048fs, E1133fs, E1199fs.
Identifiers: ClinVar variation 3784594 (VCV003784594.1).
Genomic context (GRCh38, chr9:95,449,278, plus strand): 5'-CAGACCCGCTGTGCGTGTGGCCGGGCGGCATGGCGAAGCGGACCACGCTGGGGGGTGGCT[CA>C]GGGGAGGGTGTGGGCAGGCGGTTCAAGCCGTTGGCTGGAGACACCTATTTAAGGGGATTC-3'

ClinVar aggregate classification (germline): Uncertain significance (1 of 4 stars; one submission).

Conditions:
Hereditary cancer-predisposing syndrome. Also called: Neoplastic Syndromes, Hereditary; Hereditary Cancer Syndrome; Tumor predisposition; Hereditary neoplastic syndrome. Identifiers: Orphanet 140162, MedGen C0027672, MeSH D009386, MONDO:0015356.

Submission:

Ambry Genetics
Classification: Uncertain significance for Hereditary cancer-predisposing syndrome. Last evaluated: 2024-12-30. Review status: criteria provided, single submitter. Criteria: Ambry Variant Classification Scheme 2023. Collection method: clinical testing. Allele origin: germline.
Comment: The c.3594delT variant, located in coding exon 22 of the PTCH1 gene, results from a deletion of one nucleotide at nucleotide position 3594, causing a translational frameshift with a predicted alternate stop codon (p.E1199Sfs*56). This alteration is expected to result in loss of function by premature protein truncation or nonsense-mediated mRNA decay. However, it occurs near the 3' terminus of PTCH1 where no known functional domains are located. Alterations in this region have been observed in individuals who do not have a personal or family history that is consistent with or suggestive of PTCH1-associated disease (Ambry internal data). Since supporting evidence is limited at this time, the clinical significance of this alteration remains unclear.